The following is an entry in ClinVar:

NM_006231.4(POLE):c.5435T>C (p.Ile1812Thr)

Gene: POLE (DNA polymerase epsilon, catalytic subunit; minus strand). Cytogenetic location: 12q24.33.
Variant type: single nucleotide variant.
Coding change: c.5435T>C on transcript NM_006231.4 (MANE Select); coding-DNA position 5435, T replaced by C.
Protein change: p.Ile1812Thr; replaces isoleucine 1812 with threonine.
Molecular consequence: missense variant.
Genome position (GRCh38, 1-based): chr12:132,639,242, A>G on the plus strand (T>C on the coding strand, the complement: POLE is on the minus strand). VCF-style: chr12-132639242-A-G. GRCh37 (hg19) VCF-style: chr12-133215828-A-G.
Other names: c.5435T>C (NM_006231.2); short protein forms I1812T.
Identifiers: ClinVar variation 1379041 (VCV001379041.7), dbSNP rs2042093658, ClinGen allele CA387374863.
Genomic context (GRCh38, chr12:132,639,242, plus strand): 5'-AGCAGAGAGGATGGCGACCGAAGCCAGCGGTAGAAGTGCATCACCTGGTTGTCTGCATAG[A>G]TGTTGTGGTACTGGGTGATCTCCTTCACCCAGCCCACGACCATGCTCTTCAGGATCCTGA-3'
Protein context (NP_006222.2, residues 1802-1822): WVKEITQYHN[Ile1812Thr]YADNQVMHFY

ClinVar aggregate classification (germline): Uncertain significance. Review status: criteria provided, multiple submitters, no conflicts (2 of 4 stars). 2 submissions from 2 submitters: Uncertain significance (2). Last evaluated 2023-12-14.

Conditions:
Hereditary cancer-predisposing syndrome. Also called: Neoplastic Syndromes, Hereditary; Hereditary Cancer Syndrome; Tumor predisposition; Hereditary neoplastic syndrome. Identifiers: Orphanet 140162, MedGen C0027672, MeSH D009386, MONDO:0015356.

Allele frequency attached by ClinVar (database versions not stated): gnomAD exomes below 0.00001.

Submissions (2):

Ambry Genetics
Classification: Uncertain significance for Hereditary cancer-predisposing syndrome. Last evaluated: 2023-12-14. Review status: criteria provided, single submitter. Criteria: Ambry Variant Classification Scheme 2023. Collection method: clinical testing. Allele origin: germline.
Comment: The p.I1812T variant (also known as c.5435T>C), located in coding exon 40 of the POLE gene, results from a T to C substitution at nucleotide position 5435. The isoleucine at codon 1812 is replaced by threonine, an amino acid with similar properties. This amino acid position is conserved. In addition, this alteration is predicted to be tolerated by in silico analysis. Since supporting evidence is limited at this time, the clinical significance of this alteration remains unclear.

Labcorp Genetics (formerly Invitae), Labcorp
Classification: Uncertain significance. Last evaluated: 2021-09-01. Review status: criteria provided, single submitter. Criteria: Invitae Variant Classification Sherloc (09022015). Collection method: clinical testing. Allele origin: germline.
Comment: This sequence change replaces isoleucine with threonine at codon 1812 of the POLE protein (p.Ile1812Thr). The isoleucine residue is weakly conserved and there is a moderate physicochemical difference between isoleucine and threonine. This variant is not present in population databases (ExAC no frequency). This variant has not been reported in the literature in individuals affected with POLE-related conditions. Algorithms developed to predict the effect of missense changes on protein structure and function (SIFT, PolyPhen-2, Align-GVGD) all suggest that this variant is likely to be tolerated. In summary, the available evidence is currently insufficient to determine the role of this variant in disease. Therefore, it has been classified as a Variant of Uncertain Significance.